The following is an entry in ClinVar:

NM_001375405.1(CEP120):c.2283C>G (p.Asp761Glu)

Gene: CEP120 (centrosomal protein 120; minus strand). Cytogenetic location: 5q23.2.
Variant type: single nucleotide variant.
Coding change: c.2283C>G on transcript NM_001375405.1 (MANE Select); coding-DNA position 2283, C replaced by G.
Protein change: p.Asp761Glu; replaces aspartic acid 761 with glutamic acid.
Molecular consequence: missense variant. On other transcripts: non-coding transcript variant (1).
Genome position (GRCh38, 1-based): chr5:123,377,449, G>C on the plus strand (C>G on the coding strand, the complement: CEP120 is on the minus strand). VCF-style: chr5-123377449-G-C. GRCh37 (hg19) VCF-style: chr5-122713143-G-C.
Other names: c.2205C>G, p.Asp735Glu (NM_001166226.2); c.2148C>G, p.Asp716Glu (NM_001375406.1); c.2283C>G, p.Asp761Glu (NM_001375407.1, NM_153223.4); c.1710C>G, p.Asp570Glu (NM_001375408.1, NM_001375409.1); short protein forms D716E, D735E, D570E, D761E.
Identifiers: ClinVar variation 1519258 (VCV001519258.6), dbSNP rs2127034566, ClinGen allele CA360898434.

ClinVar aggregate classification (germline): Uncertain significance (1 of 4 stars; one submission).

Conditions:
Short-rib thoracic dysplasia 13 with or without polydactyly (SRTD13). Identifiers: Orphanet 474, MedGen C4225378, MONDO:0014577, OMIM 616300.

Submission:

Labcorp Genetics (formerly Invitae), Labcorp
Classification: Uncertain significance for Short-rib thoracic dysplasia 13 with or without polydactyly. Last evaluated: 2021-11-23. Review status: criteria provided, single submitter. Criteria: Invitae Variant Classification Sherloc (09022015). Collection method: clinical testing. Allele origin: germline.
Comment: This variant has not been reported in the literature in individuals affected with CEP120-related conditions. In summary, the available evidence is currently insufficient to determine the role of this variant in disease. Therefore, it has been classified as a Variant of Uncertain Significance. Algorithms developed to predict the effect of missense changes on protein structure and function output the following: SIFT: "Tolerated"; PolyPhen-2: "Benign"; Align-GVGD: "Class C0". The glutamic acid amino acid residue is found in multiple mammalian species, which suggests that this missense change does not adversely affect protein function. This variant is not present in population databases (gnomAD no frequency). This sequence change replaces aspartic acid, which is acidic and polar, with glutamic acid, which is acidic and polar, at codon 761 of the CEP120 protein (p.Asp761Glu).